The following is an entry in ClinVar:

ClinVar aggregate classification (germline): Uncertain significance (1 of 4 stars; one submission).

Conditions:
SEMA3E-related disorder. Also called: SEMA3E-related condition.

gnomAD v4.1: 1 of 1,613,290 alleles (0.000062%); highest among the groups gnomAD compares: Non-Finnish European, 0.000085%; no homozygotes.

Submission:

PreventionGenetics, part of Exact Sciences
Classification: Uncertain significance for SEMA3E-related condition. Last evaluated: 2025-04-10. Review status: criteria provided, single submitter. Criteria: ACMG Guidelines, 2015. Collection method: clinical testing. Allele origin: germline.
Comment: The SEMA3E c.1741G>A variant is predicted to result in the amino acid substitution p.Ala581Thr. To our knowledge, this variant has not been reported in the literature. This variant is reported in 0.00088% of alleles in individuals of European (Non-Finnish) descent in gnomAD. At this time, the clinical significance of this variant is uncertain due to the absence of conclusive functional and genetic evidence.

NM_012431.3(SEMA3E):c.1741G>A (p.Ala581Thr)

Gene: SEMA3E (semaphorin 3E; minus strand). Cytogenetic location: 7q21.11.
Variant type: single nucleotide variant.
Coding change: c.1741G>A on transcript NM_012431.3 (MANE Select); coding-DNA position 1741, G replaced by A.
Protein change: p.Ala581Thr; replaces alanine 581 with threonine.
Molecular consequence: missense variant.
Genome position (GRCh38, 1-based): chr7:83,385,428, C>T on the plus strand (G>A on the coding strand, the complement: SEMA3E is on the minus strand). VCF-style: chr7-83385428-C-T. GRCh37 (hg19) VCF-style: chr7-83014744-C-T.
Other names: c.1561G>A, p.Ala521Thr (NM_001178129.2); short protein forms A521T, A581T.
Identifiers: ClinVar variation 4996888 (VCV004996888.1).